The following is an entry in ClinVar:

ClinVar aggregate classification (germline): Uncertain significance (1 of 4 stars; one submission).

Submission:

Mayo Clinic Laboratories, Mayo Clinic
Classification: Uncertain significance. Last evaluated: 2024-01-03. Review status: criteria provided, single submitter. Criteria: ACMG Guidelines, 2015. Collection method: clinical testing. Allele origin: germline. Observed: 1 variant allele.
Comment: BP4, PM2

NM_000377.3(WAS):c.818G>T (p.Arg273Met)

Gene: WAS (WASP actin nucleation promoting factor; plus strand). Cytogenetic location: Xp11.23.
Variant type: single nucleotide variant.
Coding change: c.818G>T on transcript NM_000377.3 (MANE Select); coding-DNA position 818, G replaced by T.
Protein change: p.Arg273Met; replaces arginine 273 with methionine.
Molecular consequence: missense variant.
Genome position (GRCh38, 1-based): chrX:48,688,340, G>T. VCF-style: chrX-48688340-G-T. GRCh37 (hg19) VCF-style: chrX-48546729-G-T.
Other names: p.Arg273Met; short protein forms R273M.
Identifiers: ClinVar variation 3380741 (VCV003380741.1).